The following is an entry in ClinVar:

NM_001106.4(ACVR2B):c.*2900T>C

Gene: ACVR2B (activin A receptor type 2B; plus strand). Cytogenetic location: 3p22.2.
Variant type: single nucleotide variant.
Coding change: c.*2900T>C on transcript NM_001106.4 (MANE Select); 2900 bases downstream of the stop codon, T replaced by C.
Molecular consequence: 3 prime UTR variant.
Genome position (GRCh38, 1-based): chr3:38,486,232, T>C. VCF-style: chr3-38486232-T-C. GRCh37 (hg19) VCF-style: chr3-38527723-T-C.
Identifiers: ClinVar variation 344972 (VCV000344972.6), dbSNP rs62239939, ClinGen allele CA10618595.

ClinVar aggregate classification (germline): Benign. Review status: criteria provided, multiple submitters, no conflicts (2 of 4 stars). 2 submissions from 2 submitters: Benign (2). Last evaluated 2018-01-13.

Conditions:
Heterotaxy, visceral, 4, autosomal (HTX4). Identifiers: Orphanet 450, MedGen C3151057, MONDO:0013403, OMIM 613751.

Allele frequency attached by ClinVar (database versions not stated): gnomAD 0.05513 and 0.05802; gnomAD exomes 0.06250; TOPMed 0.06554; 1000 Genomes Project 0.09026; 1000 Genomes Project 30x 0.09041.
gnomAD v4.1: 8,782 of 152,328 alleles (5.8%); highest among the groups gnomAD compares: East Asian, 19%; 429 homozygotes.

Submissions (2):

Illumina Laboratory Services, Illumina
Classification: Benign for Heterotaxy, visceral, 4, autosomal. Last evaluated: 2018-01-13. Review status: criteria provided, single submitter. Criteria: ICSL Variant Classification Criteria 13 December 2019. Collection method: clinical testing. Allele origin: germline.
Comment: This variant was observed in the ICSL laboratory as part of a predisposition screen in an ostensibly healthy population. It had not been previously curated by ICSL or reported in the Human Gene Mutation Database (HGMD: prior to June 1st, 2018), and was therefore a candidate for classification through an automated scoring system. Utilizing variant allele frequency, disease prevalence and penetrance estimates, and inheritance mode, an automated score was calculated to assess if this variant is too frequent to cause the disease. Based on the score and internal cut-off values, a variant classified as benign is not then subjected to further curation. The score for this variant resulted in a classification of benign for this disease.

Breakthrough Genomics
Classification: Benign. Review status: criteria provided, single submitter. Criteria: ACMG Guidelines, 2015. Collection method: not provided. Allele origin: germline. Inheritance: Unknown mechanism. Affected: yes.